The following is an entry in ClinVar:

Conditions:
Breast-ovarian cancer, familial, susceptibility to, 1 (BROVCA1). Also called: BRCA1 Hereditary Breast and Ovarian Cancer; OVARIAN CANCER, SUSCEPTIBILITY TO. Identifiers: Orphanet 145, MedGen C2676676, MONDO:0011450, OMIM 604370. Disease mechanism: loss of function.

Submission:

Brotman Baty Institute, University of Washington
No classification provided (evidence only). Condition: Breast-ovarian cancer, familial 1. Review status: no classification provided. Collection method: in vitro. Allele origin: not applicable. Functional consequence: functionally_normal.
ClinVar note: "not provided" was previously submitted as the classification for the variant. However, the classification appeared to be based only on an observation of functional data so it was converted to no classification on 2025-07-30.

NM_007294.4(BRCA1):c.5353C>A (p.Gln1785Lys)

Gene: BRCA1 (BRCA1 DNA repair associated; minus strand). Cytogenetic location: 17q21.31.
Variant type: single nucleotide variant.
Coding change: c.5353C>A on transcript NM_007294.4 (MANE Select); coding-DNA position 5353, C replaced by A.
Protein change: p.Gln1785Lys; replaces glutamine 1785 with lysine.
Molecular consequence: missense variant. On other transcripts: non-coding transcript variant (1), intron variant (1).
Genome position (GRCh38, 1-based): chr17:43,049,174, G>T on the plus strand (C>A on the coding strand, the complement: BRCA1 is on the minus strand). VCF-style: chr17-43049174-G-T. GRCh37 (hg19) VCF-style: chr17-41201191-G-T.
Other names: c.1900C>A, p.Gln634Lys (NM_001408463.1, NM_001408464.1, NM_001408465.1 and 7 more transcripts); c.1831C>A, p.Gln611Lys (NM_001408481.1, NM_001408482.1, NM_001408483.1 and 5 more transcripts); c.1828C>A, p.Gln610Lys (NM_001408492.1, NM_001408493.1); c.1777C>A, p.Gln593Lys (NM_001408503.1, NM_001408504.1, NM_001408502.1); c.1774C>A, p.Gln592Lys (NM_001408505.1); c.1717C>A, p.Gln573Lys (NM_001408506.1); c.1714C>A, p.Gln572Lys (NM_001408507.1); c.1705C>A, p.Gln569Lys (NM_001408508.1); and 73 more; short protein forms Q1806K, Q1738K, Q1785K, Q681K, Q1489K, Q1673K, Q1674K, Q1696K.
Identifiers: ClinVar variation 868030 (VCV000868030.3), dbSNP rs80356969, ClinGen allele CA10590757.